The following is an entry in ClinVar:

ClinVar aggregate classification (germline): Uncertain significance (1 of 4 stars; one submission).

Conditions:
Emery-Dreifuss muscular dystrophy 5, autosomal dominant (EDMD5). Also called: EMERY-DREIFUSS MUSCULAR DYSTROPHY 5. Identifiers: Orphanet 261, MedGen C2751805, MONDO:0013072, OMIM 612999.

Allele frequency attached by ClinVar (database versions not stated): ExAC 0.00003; gnomAD exomes 0.00004; gnomAD 0.00005; TOPMed 0.00005; ESP Exome Variant Server 0.00008.
gnomAD v4.1: 18 of 1,603,672 alleles (0.0011%); highest among the groups gnomAD compares: African/African-American, 0.02%; no homozygotes.

Submission:

Labcorp Genetics (formerly Invitae), Labcorp
Classification: Uncertain significance for Emery-Dreifuss muscular dystrophy 5, autosomal dominant. Last evaluated: 2025-10-09. Review status: criteria provided, single submitter. Criteria: Invitae Variant Classification Sherloc (09022015). Collection method: clinical testing. Allele origin: germline.
Comment: This sequence change falls in intron 23 of the SYNE2 gene. It does not directly change the encoded amino acid sequence of the SYNE2 protein. It affects a nucleotide within the consensus splice site. This variant is present in population databases (rs371534076, gnomAD 0.04%), and has an allele count higher than expected for a pathogenic variant. This variant has not been reported in the literature in individuals affected with SYNE2-related conditions. ClinVar contains an entry for this variant (Variation ID: 538344). Variants that disrupt the consensus splice site are a relatively common cause of aberrant splicing (PMID: 17576681, 9536098). Algorithms developed to predict the effect of sequence changes on RNA splicing suggest that this variant is not likely to affect RNA splicing. In summary, the available evidence is currently insufficient to determine the role of this variant in disease. Therefore, it has been classified as a Variant of Uncertain Significance.

Literature cited by the submitters: PubMed 17576681; PubMed 9536098.

NM_182914.3(SYNE2):c.2940+6A>G

Gene: SYNE2 (spectrin repeat containing nuclear envelope protein 2; plus strand). Cytogenetic location: 14q23.2.
Variant type: single nucleotide variant.
Coding change: c.2940+6A>G on transcript NM_182914.3 (MANE Select); 6 bases into the intron after coding-DNA position 2940, A replaced by G.
Molecular consequence: intron variant.
Genome position (GRCh38, 1-based): chr14:63,995,208, A>G. VCF-style: chr14-63995208-A-G. GRCh37 (hg19) VCF-style: chr14-64461926-A-G.
Other names: c.2940+6A>G (NM_015180.6).
Identifiers: ClinVar variation 538344 (VCV000538344.8), dbSNP rs371534076, ClinGen allele CA7219829.
Genomic context (GRCh38, chr14:63,995,208, plus strand): 5'-AGAAAAGAAACTTATCCGTAGAGGAAGGACCAAGGGTCTCATCAAAGAACATGAGGTACA[A>G]TAAAGTGTTTCCACTTAAATTTTGTCATCATTTTGGGGTTTATCTTAAATGGTTGTGTGT-3'